The following is an entry in ClinVar:

ClinVar aggregate classification (germline): Uncertain significance. Review status: criteria provided, multiple submitters, no conflicts (2 of 4 stars). 2 submissions from 2 submitters: Uncertain significance (2). Last evaluated 2023-03-26.

Conditions:
Familial sleep-related hypermotor epilepsy. Also called: Autosomal Dominant Sleep-Related Hypermotor (Hyperkinetic) Epilepsy. Identifiers: Orphanet 98784, MedGen C3696898, MONDO:0000030.

Submissions (2):

Labcorp Genetics (formerly Invitae), Labcorp
Classification: Uncertain significance. Last evaluated: 2023-03-26. Review status: criteria provided, single submitter. Criteria: Invitae Variant Classification Sherloc (09022015). Collection method: clinical testing. Allele origin: germline.
Comment: This variant is present in population databases (rs778160922, gnomAD 0.01%). This sequence change results in a frameshift in the CHRNB2 gene (p.Cys470Serfs*59). While this is not anticipated to result in nonsense mediated decay, it is expected to disrupt the last 33 amino acid(s) of the CHRNB2 protein and extend the protein by 25 additional amino acid residues. This variant has not been reported in the literature in individuals affected with CHRNB2-related conditions. In summary, the available evidence is currently insufficient to determine the role of this variant in disease. Therefore, it has been classified as a Variant of Uncertain Significance. Experimental studies and prediction algorithms are not available or were not evaluated, and the functional significance of this variant is currently unknown. ClinVar contains an entry for this variant (Variation ID: 205080).

GeneDx
Classification: Uncertain significance. Last evaluated: 2013-05-29. Review status: criteria provided, single submitter. Criteria: GeneDx Variant Classification (06012015). Collection method: clinical testing. Allele origin: germline. Affected: yes.
Comment: c.1407_1410delCTGT: p.Cys470SerfsX59 (C470SfsX59) in exon 6 of the CHRNB2 gene (NM_000748.2). The normal sequence with the bases that are deleted in braces is TTGT{CTGT}GTCT. The c.1407_1410delCTGT variant has not been published as a mutation, nor has it been reported as a benign polymorphism to our knowledge. It causes a frameshift starting with codon Cysteine 470, changes this amino acid to a Serine residue and creates a premature Stop codon at position 59 of the new reading frame, denoted p.Cys470SerfsX59. This variant is predicted to replace the last 33 amino acids of the protein with 58 incorrect amino acids and result in loss-of-function due to haploinsufficiency. However, to date all reported CHRNB2 mutations are missense substitutions predicted to have a gain-of-function effect (Steinlein et al., 2012). Therefore, based on the currently available information, it is unclear whether c.1407_1410delCTGT is a disease-causing mutation or a rare benign variant. The variant is found in EPILEPSY panel(s).

NM_000748.3(CHRNB2):c.1407_1410del (p.Cys470fs)

Gene: CHRNB2 (cholinergic receptor nicotinic beta 2 subunit; plus strand). Cytogenetic location: 1q21.3.
Variant type: Deletion.
Coding change: c.1407_1410del on transcript NM_000748.3 (MANE Select); coding-DNA positions 1407 to 1410, 4 bases deleted (CTGT; older notation c.1407_1410delCTGT).
Protein change: p.Cys470fs; shifts the reading frame from cysteine 470.
Molecular consequence: frameshift variant.
Genome position (GRCh38, 1-based): chr1:154,575,830-154,575,833, CTGT deleted; deleting any 4 consecutive bases within chr1:154,575,827-154,575,833 gives the same sequence; the c. name uses the placement nearest the transcript's 3' end. VCF-style (leftmost placement, unchanged base first): chr1-154575826-TTGTC-T. GRCh37 (hg19) VCF-style: chr1-154548302-TTGTC-T.
Other names: short protein forms C470fs.
Identifiers: ClinVar variation 205080 (VCV000205080.7), dbSNP rs796052332, ClinGen allele CA313677.